The following is an entry in ClinVar:

NM_002471.4(MYH6):c.4837G>T (p.Val1613Phe)

Genes: MYH6 (myosin heavy chain 6; minus strand), LOC126861896 (BRD4-independent group 4 enhancer GRCh37_chr14:23854904-23856103; plus strand). Cytogenetic location: 14q11.2.
Variant type: single nucleotide variant.
Coding change: c.4837G>T on transcript NM_002471.4 (MANE Select); coding-DNA position 4837, G replaced by T.
Protein change: p.Val1613Phe; replaces valine 1613 with phenylalanine.
Molecular consequence: missense variant.
Genome position (GRCh38, 1-based): chr14:23,386,437, C>A on the plus strand (G>T on the coding strand, the complement: MYH6 is on the minus strand). VCF-style: chr14-23386437-C-A. GRCh37 (hg19) VCF-style: chr14-23855646-C-A.
Other names: short protein forms V1613F.
Identifiers: ClinVar variation 5002593 (VCV005002593.1).

ClinVar aggregate classification (germline): Uncertain significance (1 of 4 stars; one submission).

Conditions:
MYH6-related disorder. Also called: MYH6-related condition; MYH6-Related Disorders.

Submission:

PreventionGenetics, part of Exact Sciences
Classification: Uncertain significance for MYH6-related condition. Last evaluated: 2025-07-25. Review status: criteria provided, single submitter. Criteria: ACMG Guidelines, 2015. Collection method: clinical testing. Allele origin: germline.
Comment: The MYH6 c.4837G>T variant is predicted to result in the amino acid substitution p.Val1613Phe. To our knowledge, this variant has not been reported in the literature or in a large population database (gnomAD), indicating this variant is rare. At this time, the clinical significance of this variant is uncertain due to the absence of conclusive functional and genetic evidence.